The following is an entry in ClinVar:

NM_006922.4(SCN3A):c.1835_1838del (p.Phe612fs)

Gene: SCN3A (sodium voltage-gated channel alpha subunit 3; minus strand). Cytogenetic location: 2q24.3.
Variant type: Deletion.
Coding change: c.1835_1838del on transcript NM_006922.4 (MANE Select); coding-DNA positions 1835 to 1838, 4 bases deleted (TTGT; older notation c.1835_1838delTTGT).
Protein change: p.Phe612fs; shifts the reading frame from phenylalanine 612.
Molecular consequence: frameshift variant.
Genome position (GRCh38, 1-based): chr2:165,140,832-165,140,835, ACAA deleted on the plus strand (TTGT on the coding strand, the reverse complement: SCN3A is on the minus strand); deleting any 4 consecutive bases within chr2:165,140,832-165,140,838 gives the same sequence; the c. name uses the placement nearest the transcript's 3' end. VCF-style (leftmost placement, unchanged base first): chr2-165140831-CACAA-C. GRCh37 (hg19) VCF-style: chr2-165997341-CACAA-C.
Other names: c.1835_1838del, p.Phe612fs (NM_001081676.2, NM_001081677.2); short protein forms F612fs.
Identifiers: ClinVar variation 2122408 (VCV002122408.4), dbSNP rs2468324360, ClinGen allele CA2580064191.

ClinVar aggregate classification (germline): Uncertain significance (1 of 4 stars; one submission).

Submission:

Labcorp Genetics (formerly Invitae), Labcorp
Classification: Uncertain significance. Last evaluated: 2022-05-25. Review status: criteria provided, single submitter. Criteria: Invitae Variant Classification Sherloc (09022015). Collection method: clinical testing. Allele origin: germline.
Comment: In summary, the available evidence is currently insufficient to determine the role of this variant in disease. Therefore, it has been classified as a Variant of Uncertain Significance. This variant has not been reported in the literature in individuals affected with SCN3A-related conditions. This variant is not present in population databases (gnomAD no frequency). This sequence change creates a premature translational stop signal (p.Phe612Cysfs*51) in the SCN3A gene. It is expected to result in an absent or disrupted protein product. However, the current clinical and genetic evidence is not sufficient to establish whether loss-of-function variants in SCN3A cause disease.